The following is an entry in ClinVar:

ClinVar aggregate classification (germline): Likely pathogenic (1 of 4 stars; one submission).

Conditions:
Spermatogenic failure 18. Identifiers: MedGen C4539783, MONDO:0054615, OMIM 617576.
Ciliary dyskinesia, primary, 37 (CILD37). Also called: CILIARY DYSKINESIA, PRIMARY, 37, WITH OR WITHOUT SITUS INVERSUS. Identifiers: MedGen C4539798, MONDO:0033204, OMIM 617577.

Submission:

Labcorp Genetics (formerly Invitae), Labcorp
Classification: Likely pathogenic for Ciliary dyskinesia, primary, 37; Spermatogenic failure 18. Last evaluated: 2022-04-26. Review status: criteria provided, single submitter. Criteria: Invitae Variant Classification Sherloc (09022015). Collection method: clinical testing. Allele origin: germline.
Comment: Algorithms developed to predict the effect of sequence changes on RNA splicing suggest that this variant may disrupt the consensus splice site. This sequence change affects an acceptor splice site in intron 27 of the DNAH1 gene. It is expected to disrupt RNA splicing. Variants that disrupt the donor or acceptor splice site typically lead to a loss of protein function (PMID: 16199547), and loss-of-function variants in DNAH1 are known to be pathogenic (PMID: 27573432, 27798045). This variant is not present in population databases (gnomAD no frequency). This variant has not been reported in the literature in individuals affected with DNAH1-related conditions. In summary, the currently available evidence indicates that the variant is pathogenic, but additional data are needed to prove that conclusively. Therefore, this variant has been classified as Likely Pathogenic.

Literature cited by the submitters: PubMed 16199547; PubMed 27573432; PubMed 27798045.

NM_015512.5(DNAH1):c.4572-2A>G

Gene: DNAH1 (dynein axonemal heavy chain 1; plus strand). Cytogenetic location: 3p21.1.
Variant type: single nucleotide variant.
Coding change: c.4572-2A>G on transcript NM_015512.5 (MANE Select); the canonical splice acceptor site of the intron before coding-DNA position 4572, A replaced by G.
Molecular consequence: splice acceptor variant.
Genome position (GRCh38, 1-based): chr3:52,360,309, A>G. VCF-style: chr3-52360309-A-G. GRCh37 (hg19) VCF-style: chr3-52394325-A-G.
Identifiers: ClinVar variation 2130927 (VCV002130927.4), dbSNP rs2471206938, ClinGen allele CA353131431.